The following is an entry in ClinVar:

NM_003072.5(SMARCA4):c.313G>A (p.Gly105Arg)

Gene: SMARCA4 (SWI/SNF related BAF chromatin remodeling complex subunit ATPase 4; plus strand). Cytogenetic location: 19p13.2.
Variant type: single nucleotide variant.
Coding change: c.313G>A on transcript NM_003072.5 (MANE Select); coding-DNA position 313, G replaced by A.
Protein change: p.Gly105Arg; replaces glycine 105 with arginine.
Molecular consequence: missense variant. On other transcripts: non-coding transcript variant (1).
Genome position (GRCh38, 1-based): chr19:10,985,363, G>A. VCF-style: chr19-10985363-G-A. GRCh37 (hg19) VCF-style: chr19-11096039-G-A.
Other names: c.313G>A, p.Gly105Arg (NM_001128844.3, NM_001128845.2, NM_001128846.2 and 5 more transcripts); short protein forms G105R.
Identifiers: ClinVar variation 408630 (VCV000408630.15), dbSNP rs1060502074, ClinGen allele CA16615875.

ClinVar aggregate classification (germline): Uncertain significance. Review status: criteria provided, multiple submitters, no conflicts (2 of 4 stars). 4 submissions from 4 submitters: Uncertain significance (4). Last evaluated 2024-12-18.

Conditions:
Hereditary cancer-predisposing syndrome. Also called: Hereditary Cancer Syndrome; Hereditary neoplastic syndrome; Neoplastic Syndromes, Hereditary; Tumor predisposition. Identifiers: Orphanet 140162, MedGen C0027672, MeSH D009386, MONDO:0015356.
Intellectual disability, autosomal dominant 16 (CSS4). Also called: COFFIN-SIRIS SYNDROME 4. Identifiers: Orphanet 1465, MedGen C3553249, MONDO:0013821, OMIM 614609.
Rhabdoid tumor predisposition syndrome 2 (RTPS2). Identifiers: Orphanet 231108, Orphanet 69077, MedGen C2750074, MONDO:0013224, OMIM 613325.

Submissions (4):

Ambry Genetics
Classification: Uncertain significance for Hereditary cancer-predisposing syndrome. Last evaluated: 2024-12-18. Review status: criteria provided, single submitter. Criteria: Ambry Variant Classification Scheme 2023. Collection method: clinical testing. Allele origin: germline.
Comment: The p.G105R variant (also known as c.313G>A), located in coding exon 2 of the SMARCA4 gene, results from a G to A substitution at nucleotide position 313. The glycine at codon 105 is replaced by arginine, an amino acid with dissimilar properties. This amino acid position is highly conserved in available vertebrate species. In addition, this alteration is predicted to be deleterious by in silico analysis. Based on the available evidence, the clinical significance of this variant remains unclear.

Labcorp Genetics (formerly Invitae), Labcorp
Classification: Uncertain significance for Rhabdoid tumor predisposition syndrome 2. Last evaluated: 2024-04-29. Review status: criteria provided, single submitter. Criteria: Invitae Variant Classification Sherloc (09022015). Collection method: clinical testing. Allele origin: germline.
Comment: This sequence change replaces glycine, which is neutral and non-polar, with arginine, which is basic and polar, at codon 105 of the SMARCA4 protein (p.Gly105Arg). This variant is not present in population databases (gnomAD no frequency). This variant has not been reported in the literature in individuals affected with SMARCA4-related conditions. ClinVar contains an entry for this variant (Variation ID: 408630). Advanced modeling of protein sequence and biophysical properties (such as structural, functional, and spatial information, amino acid conservation, physicochemical variation, residue mobility, and thermodynamic stability) has been performed at Invitae for this missense variant, however the output from this modeling did not meet the statistical confidence thresholds required to predict the impact of this variant on SMARCA4 protein function. In summary, the available evidence is currently insufficient to determine the role of this variant in disease. Therefore, it has been classified as a Variant of Uncertain Significance.

Baylor Genetics
Classification: Uncertain significance for Rhabdoid tumor predisposition syndrome 2. Last evaluated: 2023-10-09. Review status: criteria provided, single submitter. Criteria: ACMG Guidelines, 2015. Collection method: clinical testing. Allele origin: unknown.

Genome-Nilou Lab
Classification: Uncertain significance for Intellectual disability, autosomal dominant 16. Last evaluated: 2021-07-15. Review status: criteria provided, single submitter. Criteria: ACMG Guidelines, 2015. Collection method: clinical testing. Allele origin: germline. Affected: no.